The following is an entry in ClinVar:

ClinVar aggregate classification (germline): Uncertain significance (1 of 4 stars; one submission).

Allele frequency attached by ClinVar (database versions not stated): ExAC 0.00001.

Submission:

Labcorp Genetics (formerly Invitae), Labcorp
Classification: Uncertain significance. Last evaluated: 2022-08-25. Review status: criteria provided, single submitter. Criteria: Invitae Variant Classification Sherloc (09022015). Collection method: clinical testing. Allele origin: germline.
Comment: This sequence change replaces glutamic acid, which is acidic and polar, with aspartic acid, which is acidic and polar, at codon 1061 of the CDH23 protein (p.Glu1061Asp). This variant is present in population databases (rs771383443, gnomAD 0.006%). This variant has not been reported in the literature in individuals affected with CDH23-related conditions. Algorithms developed to predict the effect of missense changes on protein structure and function are either unavailable or do not agree on the potential impact of this missense change (SIFT: "Deleterious"; PolyPhen-2: "Not Available"; Align-GVGD: "Class C35"). In summary, the available evidence is currently insufficient to determine the role of this variant in disease. Therefore, it has been classified as a Variant of Uncertain Significance.

NM_022124.6(CDH23):c.3183G>C (p.Glu1061Asp)

Gene: CDH23 (cadherin related 23; plus strand). Cytogenetic location: 10q22.1.
Variant type: single nucleotide variant.
Coding change: c.3183G>C on transcript NM_022124.6 (MANE Select); coding-DNA position 3183, G replaced by C.
Protein change: p.Glu1061Asp; replaces glutamic acid 1061 with aspartic acid.
Molecular consequence: missense variant.
Genome position (GRCh38, 1-based): chr10:71,709,174, G>C. VCF-style: chr10-71709174-G-C. GRCh37 (hg19) VCF-style: chr10-73468931-G-C.
Other names: c.3183G>C, p.Glu1061Asp (NM_001171930.2); short protein forms E1061D.
Identifiers: ClinVar variation 2165936 (VCV002165936.1), dbSNP rs771383443, ClinGen allele CA5544505.